The following is an entry in ClinVar:

ClinVar aggregate classification (germline): Uncertain significance. Review status: criteria provided, multiple submitters, no conflicts (2 of 4 stars). 4 submissions from 4 submitters: Uncertain significance (4). Last evaluated 2026-01-12.

Conditions:
Hereditary cancer-predisposing syndrome. Also called: Tumor predisposition; Hereditary neoplastic syndrome; Hereditary Cancer Syndrome; Neoplastic Syndromes, Hereditary. Identifiers: Orphanet 140162, MedGen C0027672, MeSH D009386, MONDO:0015356.
TSC2-related disorder. Also called: TSC2-related condition; TSC2-Related Disorders.
Lymphangiomyomatosis (LAM). Also called: Lymphangioleiomyomatosis; Lymphangioleiomyomatosis, somatic. Identifiers: Orphanet 538, MedGen C0751674, MONDO:0011705, OMIM 606690.
Tuberous sclerosis 2 (TSC2). Identifiers: Orphanet 805, MedGen C1860707, MONDO:0013199, OMIM 613254.
Isolated focal cortical dysplasia type II (FCORD2). Also called: CORTICAL DYSPLASIA OF TAYLOR; Focal cortical dysplasia type II. Identifiers: Orphanet 268994, MedGen C1846385, MONDO:0011818, OMIM 607341, HP:0032051.

Allele frequency attached by ClinVar (database versions not stated): gnomAD 0.00001; TOPMed 0.00001.
gnomAD v4.1: 6 of 1,597,292 alleles (0.00038%); highest among the groups gnomAD compares: South Asian, 0.0034%; no homozygotes.

Submissions (4):

Labcorp Genetics (formerly Invitae), Labcorp
Classification: Uncertain significance for Tuberous sclerosis 2. Last evaluated: 2026-01-12. Review status: criteria provided, single submitter. Criteria: Invitae Variant Classification Sherloc (09022015). Collection method: clinical testing. Allele origin: germline.
Comment: This sequence change replaces leucine, which is neutral and non-polar, with proline, which is neutral and non-polar, at codon 681 of the TSC2 protein (p.Leu681Pro). This variant is not present in population databases (gnomAD no frequency). This variant has not been reported in the literature in individuals affected with TSC2-related conditions. ClinVar contains an entry for this variant (Variation ID: 664430). Invitae Evidence Modeling of protein sequence and biophysical properties (such as structural, functional, and spatial information, amino acid conservation, physicochemical variation, residue mobility, and thermodynamic stability) indicates that this missense variant is not expected to disrupt TSC2 protein function with a negative predictive value of 95%. In summary, the available evidence is currently insufficient to determine the role of this variant in disease. Therefore, it has been classified as a Variant of Uncertain Significance.

Ambry Genetics
Classification: Uncertain significance for Hereditary cancer-predisposing syndrome. Last evaluated: 2025-11-08. Review status: criteria provided, single submitter. Criteria: Ambry Variant Classification Scheme 2023. Collection method: clinical testing. Allele origin: germline.
Comment: The p.L681P variant (also known as c.2042T>C), located in coding exon 18 of the TSC2 gene, results from a T to C substitution at nucleotide position 2042. The leucine at codon 681 is replaced by proline, an amino acid with similar properties. This amino acid position is conserved. In addition, the in silico prediction for this alteration is inconclusive. Since supporting evidence is limited at this time, the clinical significance of this alteration remains unclear.

PreventionGenetics, part of Exact Sciences
Classification: Uncertain significance for TSC2-related condition. Last evaluated: 2025-11-03. Review status: criteria provided, single submitter. Criteria: ACMG Guidelines, 2015. Collection method: clinical testing. Allele origin: germline.
Comment: The TSC2 c.2042T>C variant is predicted to result in the amino acid substitution p.Leu681Pro. To our knowledge, this variant has not been reported in the literature or in a large population database (gnomAD), indicating this variant is rare. At this time, the clinical significance of this variant is uncertain due to the absence of conclusive functional and genetic evidence.

Fulgent Genetics
Classification: Uncertain significance for Lymphangiomyomatosis; Isolated focal cortical dysplasia type II; Tuberous sclerosis 2. Last evaluated: 2022-05-26. Review status: criteria provided, single submitter. Criteria: ACMG Guidelines, 2015. Collection method: clinical testing. Allele origin: unknown.

NM_000548.5(TSC2):c.2042T>C (p.Leu681Pro)

Gene: TSC2 (TSC complex subunit 2; plus strand). Cytogenetic location: 16p13.3.
Variant type: single nucleotide variant.
Coding change: c.2042T>C on transcript NM_000548.5 (MANE Select); coding-DNA position 2042, T replaced by C.
Protein change: p.Leu681Pro; replaces leucine 681 with proline.
Molecular consequence: missense variant.
Genome position (GRCh38, 1-based): chr16:2,071,879, T>C. VCF-style: chr16-2071879-T-C. GRCh37 (hg19) VCF-style: chr16-2121880-T-C.
Other names: c.2042T>C (NM_000548.4); c.2042T>C, p.Leu681Pro (NM_001077183.3, NM_001114382.3, NM_001363528.2 and 3 more transcripts); c.1931T>C, p.Leu644Pro (NM_001318827.2); c.1895T>C, p.Leu632Pro (NM_001318829.2); c.1442T>C, p.Leu481Pro (NM_001318831.2); c.2075T>C, p.Leu692Pro (NM_001318832.2); short protein forms L481P, L644P, L681P, L692P, L632P.
Identifiers: ClinVar variation 664430 (VCV000664430.16), dbSNP rs878854079, ClinGen allele CA394274571.